The following is an entry in ClinVar:

NM_006922.4(SCN3A):c.3133A>G (p.Ile1045Val)

Gene: SCN3A (sodium voltage-gated channel alpha subunit 3; minus strand). Cytogenetic location: 2q24.3.
Variant type: single nucleotide variant.
Coding change: c.3133A>G on transcript NM_006922.4 (MANE Select); coding-DNA position 3133, A replaced by G.
Protein change: p.Ile1045Val; replaces isoleucine 1045 with valine.
Molecular consequence: missense variant.
Genome position (GRCh38, 1-based): chr2:165,127,891, T>C on the plus strand (A>G on the coding strand, the complement: SCN3A is on the minus strand). VCF-style: chr2-165127891-T-C. GRCh37 (hg19) VCF-style: chr2-165984401-T-C.
Other names: c.2986A>G, p.Ile996Val (NM_001081676.2, NM_001081677.2); short protein forms I1045V, I996V.
Identifiers: ClinVar variation 1008548 (VCV001008548.5), dbSNP rs894700711, ClinGen allele CA59732307.

ClinVar aggregate classification (germline): Uncertain significance. Review status: criteria provided, multiple submitters, no conflicts (2 of 4 stars). 2 submissions from 2 submitters: Uncertain significance (2). Last evaluated 2021-08-31.

Conditions:
Epilepsy, familial focal, with variable foci 4 (FFEVF4). Identifiers: MedGen C4693694, MONDO:0054776, OMIM 617935.

Allele frequency attached by ClinVar (database versions not stated): TOPMed below 0.00001.

Submissions (2):

Labcorp Genetics (formerly Invitae), Labcorp
Classification: Uncertain significance. Last evaluated: 2021-08-31. Review status: criteria provided, single submitter. Criteria: Invitae Variant Classification Sherloc (09022015). Collection method: clinical testing. Allele origin: germline.

Baylor Genetics
Classification: Uncertain significance for Epilepsy, familial focal, with variable foci 4. Last evaluated: 2019-03-27. Review status: criteria provided, single submitter. Criteria: ACMG Guidelines, 2015. Collection method: clinical testing. Allele origin: maternal. Affected: yes.
Comment: This variant was determined to be of uncertain significance according to ACMG Guidelines, 2015 [PMID:25741868].